The following is an entry in ClinVar:

NM_004364.5(CEBPA):c.68dup (p.His24fs)

Gene: CEBPA (CCAAT enhancer binding protein alpha; minus strand). Cytogenetic location: 19q13.11.
Variant type: Duplication.
Coding change: c.68dup on transcript NM_004364.5 (MANE Select); coding-DNA position 68, one base duplicated (C; older notation c.68dupC).
Protein change: p.His24fs; shifts the reading frame from histidine 24.
Molecular consequence: frameshift variant. On other transcripts: 5 prime UTR variant (1).
Genome position (GRCh38, 1-based): chr19:33,302,347, G duplicated on the plus strand (C on the coding strand, the reverse complement: CEBPA is on the minus strand); the first of 6 consecutive G bases (chr19:33,302,347-33,302,352); duplicating any one gives the same sequence. VCF-style (leftmost placement, unchanged base first): chr19-33302346-C-CG. GRCh37 (hg19) VCF-style: chr19-33793252-C-CG.
Other names: c.-290dup (NM_001285829.2); c.173dup, p.His59fs (NM_001287424.2); c.26dup, p.His10fs (NM_001287435.2); c.68dupC (NM_004364.5); short protein forms H24fs, H10fs, H59fs.
Identifiers: ClinVar variation 21401 (VCV000021401.34), dbSNP rs137852728, ClinGen allele CA342024.
Genomic context (GRCh38, chr19:33,302,346, plus strand): 5'-GGGAGGCTGCGCGGGGCCCGCGCCCCGGGGAAAGCCGAAGGCGGCGCTGCTGGGCGCGTG[C>CG]GGGGGGCTCTGCAGGTGGCTGCTCATCGGGGGCCGCGGCTCCGCCTCGTAGAAGTCGGCC-3'

ClinVar aggregate classification (germline): Pathogenic/Likely pathogenic. Review status: criteria provided, multiple submitters, no conflicts (2 of 4 stars). 5 submissions from 5 submitters: Pathogenic (3); Likely pathogenic (1). 1 of the submissions does not count toward it. Last evaluated 2026-05-05.

Conditions:
Acute myeloid leukemia (AML). Also called: Acute myeloid leukemia, adult; AML adult; Acute non-lymphocytic leukemia; Acute granulocytic leukemia; Leukemia, acute myeloid, somatic; Leukemia, acute myelogenous, somatic. Identifiers: Orphanet 519, MedGen C0023467, MeSH D015470, MONDO:0018874, OMIM 601626, HP:0004808. Disease mechanism: Constitutively activated FLT3.

Submissions (5):

Institute of Human Genetics, University of Leipzig Medical Center
Classification: Likely pathogenic for Acute myeloid leukemia. Last evaluated: 2026-05-05. Review status: criteria provided, single submitter. Criteria: ACMG Guidelines, 2015. Collection method: clinical testing. Allele origin: unknown. Inheritance: Autosomal dominant inheritance. Affected: yes.
Comment: Criteria applied: PVS1_STR,PS3_SUP,PM2_SUP,PP1

Labcorp Genetics (formerly Invitae), Labcorp
Classification: Pathogenic for Acute myeloid leukemia. Last evaluated: 2025-11-12. Review status: criteria provided, single submitter. Criteria: Invitae Variant Classification Sherloc (09022015). Collection method: clinical testing. Allele origin: germline.
Comment: This sequence change creates a premature translational stop signal (p.His24Alafs*84) in the CEBPA gene. While this is not anticipated to result in nonsense mediated decay, it is expected to disrupt the last 335 amino acid(s) of the CEBPA protein. This variant is not present in population databases (gnomAD no frequency). This premature translational stop signal has been observed in individuals with familial acute myeloid leukemia (PMID: 15902292, 18946494, 31477806, 33533142). It has also been observed to segregate with disease in related individuals. This variant is also known as 217insC. ClinVar contains an entry for this variant (Variation ID: 21401). This variant disrupts the production of the full length isoform (p42) of the CEBPA protein, which results in the preferential usage of an alternate downstream in-frame methionine at codon 120. Translation starting from this methionine results in a 30 kDa N-terminal truncated isoform of CEBPA that lacks the TAD1 domain, and has been shown to abrogate CEBPA function by acting as a dominant-negative allele (PMID: 11242107, 19953636, 26162409). While functional studies have not been performed to directly test the effect of this variant on CEBPA protein function, this suggests that disruption of this region of the protein is causative of disease. This variant disrupts the region of the CEBPA protein between codon 15 and 119. Other variants in this region have been observed in individuals with autosomal dominant CEBPA-related conditions (PMID: 11242107, 31867767, 32430494, internal data), which suggests that this may be a clinically significant region of the protein. For these reasons, this variant has been classified as Pathogenic.

Clinical Genetics and Genomics, Karolinska University Hospital
Classification: Pathogenic. Last evaluated: 2017-12-15. Review status: criteria provided, single submitter. Criteria: ACMG Guidelines, 2015. Collection method: clinical testing. Allele origin: germline. Affected: yes. Observed: 4 variant alleles.

Genomic Diagnostics Laboratory, National Institute of Medical Genomics
Classification: Pathogenic for Acute myeloid leukemia. Review status: criteria provided, single submitter. Criteria: AMP Guidelines, 2017. Collection method: clinical testing. Allele origin: somatic. Affected: yes.
Comment: The variant was detected in bone marrow from patients, but it was not confirmed in the matched

GeneReviews
No classification provided. Condition: Acute myeloid leukemia. Review status: no classification provided. Collection method: literature only. Allele origin: germline. Not counted in ClinVar's aggregate classification.

Literature cited by the submitters: PubMed 15902292 (cited by Labcorp Genetics (formerly Invitae), Labcorp and GeneReviews); PubMed 18946494 (cited by Labcorp Genetics (formerly Invitae), Labcorp and GeneReviews); PubMed 31477806 (cited by Labcorp Genetics (formerly Invitae), Labcorp); PubMed 33533142 (cited by Labcorp Genetics (formerly Invitae), Labcorp); PubMed 11242107 (cited by Labcorp Genetics (formerly Invitae), Labcorp); PubMed 19953636 (cited by Labcorp Genetics (formerly Invitae), Labcorp); PubMed 26162409 (cited by Labcorp Genetics (formerly Invitae), Labcorp and GeneReviews); PubMed 31867767 (cited by Labcorp Genetics (formerly Invitae), Labcorp); PubMed 32430494 (cited by Labcorp Genetics (formerly Invitae), Labcorp).